The following is an entry in ClinVar:

NM_001754.5(RUNX1):c.1122C>G (p.Ala374=)

Gene: RUNX1 (RUNX family transcription factor 1; minus strand). Cytogenetic location: 21q22.12.
Variant type: single nucleotide variant.
Coding change: c.1122C>G on transcript NM_001754.5 (MANE Select); coding-DNA position 1122, C replaced by G.
Protein change: p.Ala374=; no amino-acid change (alanine 374 retained).
Molecular consequence: synonymous variant.
Genome position (GRCh38, 1-based): chr21:34,792,456, G>C on the plus strand (C>G on the coding strand, the complement: RUNX1 is on the minus strand). VCF-style: chr21-34792456-G-C. GRCh37 (hg19) VCF-style: chr21-36164753-G-C.
Other names: NM_001754.5(RUNX1):c.1122C>G; p.Ala374=; c.1041C>G, p.Ala347= (NM_001001890.3).
Identifiers: ClinVar variation 2988050 (VCV002988050.8), dbSNP rs2516821867, ClinGen allele CA512341293.
Genomic context (GRCh38, chr21:34,792,456, plus strand): 5'-GCCTCCCTGCGCTTGCGACGAGCCGGGGTAGGGCGGCGGCAGGTAGGTGTGGTAGCGCGT[G>C]GCCGAGCCCATGGCCGACATGCCGATGCCGATGCCCGAGGTGACCGGCGTCGGGGAGTAG-3'
Protein context (NP_001745.2, residues 364-384): IGIGMSAMGS[Ala374=]TRYHTYLPPP

ClinVar aggregate classification (germline): Likely benign. Review status: reviewed by expert panel (3 of 4 stars). 3 submissions from 3 submitters: Likely benign (1). 2 of the submissions do not count toward it. Last evaluated 2026-04-29.

Conditions:
Hereditary thrombocytopenia and hematologic cancer predisposition syndrome. Identifiers: Orphanet 71290, MedGen CN281654, MONDO:0011071.
Hereditary thrombocytopenia and hematological cancer predisposition syndrome associated with RUNX1. Also called: RUNX1 Familial Platelet Disorder with Associated Myeloid Malignancies; Familial Platelet Disorder with Propensity to Acute Myelogenous Leukemia; Familial thrombocytopenia with propensity to acute myelogenous leukemia; PLATELET DISORDER, ASPIRIN-LIKE. Identifiers: Orphanet 71290, MedGen C1832388, MeSH C563324, MONDO:0100083, OMIM 601399.
Inborn genetic diseases. Identifiers: MedGen C0950123, MeSH D030342.

Submissions (3):

ClinGen Myeloid Malignancy Variant Curation Expert Panel
Classification: Likely benign for Hereditary thrombocytopenia and hematologic cancer predisposition syndrome. Last evaluated: 2026-04-29. Review status: reviewed by expert panel. Criteria: ClinGen MyeloMalig ACMG Specifications V3.1. Collection method: curation. Allele origin: germline. Inheritance: Autosomal dominant inheritance.
Comment: NM_001754.5(RUNX1):c.1122C>G (p.Ala374=) is a synonymous variant which has a SpliceAI score ≤ 0.20 (0.0) (BP4, BP7). This variant is completely absent from all population databases with at least 20x coverage for RUNX1 (PM2_supporting). In summary, this variant meets criteria to be classified as likely benign. ACMG/AMP criteria applied, as specified by the Myeloid Malignancy Variant Curation Expert Panel for RUNX1: BP4, BP7, PM2_supporting.

Ambry Genetics
Classification: Likely benign for Inborn genetic diseases. Last evaluated: 2024-12-16. Review status: criteria provided, single submitter. Criteria: Ambry Variant Classification Scheme 2023. Collection method: clinical testing. Allele origin: germline. Not counted in ClinVar's aggregate classification.

Labcorp Genetics (formerly Invitae), Labcorp
Classification: Likely benign for Hereditary thrombocytopenia and hematological cancer predisposition syndrome associated with RUNX1. Last evaluated: 2023-11-13. Review status: criteria provided, single submitter. Criteria: Invitae Variant Classification Sherloc (09022015). Collection method: clinical testing. Allele origin: germline. Not counted in ClinVar's aggregate classification.